The following is an entry in ClinVar:

GRCh38/hg38 16p11.2(chr16:29663527-30183432)x1

Genes: ALDOA (aldolase, fructose-bisphosphate A; plus strand), ASPHD1 (aspartate beta-hydroxylase domain containing 1; plus strand), C16orf54 (chromosome 16 open reading frame 54; minus strand), CDIPT (CDP-diacylglycerol--inositol 3-phosphatidyltransferase; minus strand), CDIPTOSP (CDIP transferase opposite strand, pseudogene; plus strand) and 86 more. Cytogenetic location: 16p11.2.
Variant type: copy number loss.
Change: copy number 1 (one copy instead of two) of chr16:29,663,527-30,183,432 (519.9 kb, GRCh38 coordinates, 1-based), cytogenetic band 16p11.2.
Identifiers: ClinVar variation 60409 (VCV000060409.2).

ClinVar aggregate classification (germline): Pathogenic (1 of 4 stars; one submission).

Submission:

ISCA Site 6
Classification: Pathogenic. Last evaluated: 2011-08-12. Review status: criteria provided, single submitter. Criteria: Kaminsky et al. (Genet Med. 2011). Collection method: clinical testing. Allele origin: unknown, maternal. Affected: yes. Observed: 2 variant alleles.
Comment: Copy number variation identified through the course of routine clinical cytogenomic testing in postnatal populations. Clinical assertions have been curated as described in Kaminsky et al. 2011.